The following is an entry in ClinVar:

NM_000368.5(TSC1):c.2537A>T (p.Glu846Val)

Gene: TSC1 (TSC complex subunit 1; minus strand). Cytogenetic location: 9q34.13.
Variant type: single nucleotide variant.
Coding change: c.2537A>T on transcript NM_000368.5 (MANE Select); coding-DNA position 2537, A replaced by T.
Protein change: p.Glu846Val; replaces glutamic acid 846 with valine.
Molecular consequence: missense variant. On other transcripts: non-coding transcript variant (5).
Genome position (GRCh38, 1-based): chr9:132,900,803, T>A on the plus strand (A>T on the coding strand, the complement: TSC1 is on the minus strand). VCF-style: chr9-132900803-T-A. GRCh37 (hg19) VCF-style: chr9-135776190-T-A.
Other names: c.2495A>T, p.Glu832Val (NM_001406605.1, NM_001406606.1, NM_001406607.1); c.2492A>T, p.Glu831Val (NM_001406608.1, NM_001406609.1); c.2384A>T, p.Glu795Val (NM_001406610.1, NM_001162427.2); c.2381A>T, p.Glu794Val (NM_001406611.1, NM_001406612.1); c.2339A>T, p.Glu780Val (NM_001406613.1); c.2174A>T, p.Glu725Val (NM_001406614.1, NM_001362177.2, NM_001406615.1 and 4 more transcripts); c.2132A>T, p.Glu711Val (NM_001406624.1); c.2129A>T, p.Glu710Val (NM_001406625.1); and 8 more; short protein forms E528V, E795V, E845V, E710V, E724V, E832V, E841V, E529V.
Identifiers: ClinVar variation 4709618 (VCV004709618.1).

ClinVar aggregate classification (germline): Uncertain significance (1 of 4 stars; one submission).

Conditions:
Tuberous sclerosis 1 (TSC1). Identifiers: Orphanet 805, MedGen C1854465, MONDO:0008612, OMIM 191100.

Submission:

Labcorp Genetics (formerly Invitae), Labcorp
Classification: Uncertain significance for Tuberous sclerosis 1. Last evaluated: 2025-10-10. Review status: criteria provided, single submitter. Criteria: Invitae Variant Classification Sherloc (09022015). Collection method: clinical testing. Allele origin: germline.
Comment: This sequence change replaces glutamic acid, which is acidic and polar, with valine, which is neutral and non-polar, at codon 846 of the TSC1 protein (p.Glu846Val). This variant is not present in population databases (gnomAD no frequency). This variant has not been reported in the literature in individuals affected with TSC1-related conditions. Invitae Evidence Modeling of protein sequence and biophysical properties (such as structural, functional, and spatial information, amino acid conservation, physicochemical variation, residue mobility, and thermodynamic stability) indicates that this missense variant is not expected to disrupt TSC1 protein function with a negative predictive value of 95%. In summary, the available evidence is currently insufficient to determine the role of this variant in disease. Therefore, it has been classified as a Variant of Uncertain Significance.